The following is an entry in ClinVar:

NM_000059.4(BRCA2):c.7643A>T (p.His2548Leu)

Gene: BRCA2 (BRCA2 DNA repair associated; plus strand). Cytogenetic location: 13q13.1.
Variant type: single nucleotide variant.
Coding change: c.7643A>T on transcript NM_000059.4 (MANE Select); coding-DNA position 7643, A replaced by T.
Protein change: p.His2548Leu; replaces histidine 2548 with leucine.
Molecular consequence: missense variant.
Genome position (GRCh38, 1-based): chr13:32,357,767, A>T. VCF-style: chr13-32357767-A-T. GRCh37 (hg19) VCF-style: chr13-32931904-A-T.
Other names: short protein forms H2548L.
Identifiers: ClinVar variation 142785 (VCV000142785.3), dbSNP rs80358992, ClinGen allele CA025209.

ClinVar aggregate classification (germline): Uncertain significance (1 of 4 stars; one submission).

Conditions:
Hereditary cancer-predisposing syndrome. Also called: Hereditary Cancer Syndrome; Neoplastic Syndromes, Hereditary; Hereditary neoplastic syndrome; Tumor predisposition. Identifiers: Orphanet 140162, MedGen C0027672, MeSH D009386, MONDO:0015356.

Submission:

Ambry Genetics
Classification: Uncertain significance for Hereditary cancer-predisposing syndrome. Last evaluated: 2014-03-14. Review status: criteria provided, single submitter. Criteria: Ambry Autosomal Dominant and X-Linked criteria (10/2015). Collection method: clinical testing. Allele origin: germline. Observed: 1 variant allele.
Comment: The p.H2548L variant (also known as c.7643A>T or7871A>T), located in coding exon 15 of the BRCA2 gene, results from an A to T substitution at nucleotide position 7643. The histidine at codon 2548 is replaced by leucine, an amino acid with similar properties. This variant was not reported in population based cohorts in the following databases: Database of Single Nucleotide Polymorphisms (dbSNP), NHLBI Exome Sequencing Project (ESP), and 1000 Genomes Project.To date, this alteration has been detected with an allele frequency of approximately 0.002% (greater than 42,000 alleles tested) in our clinical cohort (includes this individual).This amino acid position is not well conserved in available vertebrate species. In addition, this alteration is predicted to be possibly damaging and deleterious by PolyPhen and SIFT in silico analyses, respectively.Since supporting evidence is limited at this time, the clinical significance of p.H2548L remains unclear.